The following is an entry in ClinVar:

ClinVar aggregate classification (germline): Uncertain significance (1 of 4 stars; one submission).

Allele frequency attached by ClinVar (database versions not stated): gnomAD exomes below 0.00001; ExAC 0.00001; gnomAD 0.00001; TOPMed 0.00001.
gnomAD v4.1: 5 of 1,613,852 alleles (0.00031%); highest among the groups gnomAD compares: Non-Finnish European, 0.00025%; no homozygotes.

Submission:

Labcorp Genetics (formerly Invitae), Labcorp
Classification: Uncertain significance. Last evaluated: 2024-10-17. Review status: criteria provided, single submitter. Criteria: Invitae Variant Classification Sherloc (09022015). Collection method: clinical testing. Allele origin: germline.
Comment: This sequence change replaces aspartic acid, which is acidic and polar, with asparagine, which is neutral and polar, at codon 118 of the ASNS protein (p.Asp118Asn). The frequency data for this variant in the population databases is considered unreliable, as metrics indicate poor data quality at this position in the gnomAD database. This variant has not been reported in the literature in individuals affected with ASNS-related conditions. ClinVar contains an entry for this variant (Variation ID: 1492040). Invitae Evidence Modeling of protein sequence and biophysical properties (such as structural, functional, and spatial information, amino acid conservation, physicochemical variation, residue mobility, and thermodynamic stability) indicates that this missense variant is not expected to disrupt ASNS protein function with a negative predictive value of 80%. In summary, the available evidence is currently insufficient to determine the role of this variant in disease. Therefore, it has been classified as a Variant of Uncertain Significance.

NM_001673.5(ASNS):c.352G>A (p.Asp118Asn)

Genes: ASNS (asparagine synthetase (glutamine-hydrolyzing); minus strand), CZ1P-ASNS (CZ1P-ASNS readthrough; minus strand). Cytogenetic location: 7q21.3.
Variant type: single nucleotide variant.
Coding change: c.352G>A on transcript NM_001673.5 (MANE Select); coding-DNA position 352, G replaced by A.
Protein change: p.Asp118Asn; replaces aspartic acid 118 with asparagine.
Molecular consequence: missense variant. On other transcripts: non-coding transcript variant (1).
Genome position (GRCh38, 1-based): chr7:97,864,394, C>T on the plus strand (G>A on the coding strand, the complement: ASNS is on the minus strand). VCF-style: chr7-97864394-C-T. GRCh37 (hg19) VCF-style: chr7-97493706-C-T.
Other names: c.289G>A, p.Asp97Asn (NM_001178075.2); c.103G>A, p.Asp35Asn (NM_001178076.2, NM_001178077.1); c.352G>A, p.Asp118Asn (NM_001352496.2, NM_133436.3, NM_183356.4); short protein forms D118N, D35N, D97N.
Identifiers: ClinVar variation 1492040 (VCV001492040.5), dbSNP rs761597965, ClinGen allele CA4354788.